The following is an entry in ClinVar:

ClinVar aggregate classification (germline): Likely benign (1 of 4 stars; one submission).

Conditions:
SH2B1-related disorder. Also called: SH2B1-related condition.

gnomAD v4.1: 19 of 1,613,788 alleles (0.0012%); highest among the groups gnomAD compares: African/African-American, 0.004%; no homozygotes.

Submissions (2):

PreventionGenetics, part of Exact Sciences
Classification: Likely benign for SH2B1-related condition. Last evaluated: 2024-11-26. Review status: criteria provided, single submitter. Criteria: ACMG Guidelines, 2015. Collection method: clinical testing. Allele origin: germline.
Comment: This variant is classified as likely benign based on ACMG/AMP sequence variant interpretation guidelines (Richards et al. 2015 PMID: 25741868, with internal and published modifications).

Dr. Peter K. Rogan Lab, Western University
No classification provided (evidence only). Condition: Cervical cancer. Review status: no classification provided. Collection method: in vitro. Allele origin: not applicable. Functional consequence: retained intron. Not counted in ClinVar's aggregate classification.

NM_001387430.1(SH2B1):c.1284C>T (p.Ser428=)

Gene: SH2B1 (SH2B adaptor protein 1; plus strand). Cytogenetic location: 16p11.2.
Variant type: single nucleotide variant.
Coding change: c.1284C>T on transcript NM_001387430.1 (MANE Select); coding-DNA position 1284, C replaced by T.
Protein change: p.Ser428=; no amino-acid change (serine 428 retained).
Molecular consequence: synonymous variant.
Genome position (GRCh38, 1-based): chr16:28,869,358, C>T. VCF-style: chr16-28869358-C-T. GRCh37 (hg19) VCF-style: chr16-28880679-C-T.
Other names: NC_000016.9:g.28880679C>T; c.1284C>T, p.Ser428= (NM_001145795.2, NM_001145796.2, NM_001145797.2 and 4 more transcripts); c.276C>T, p.Ser92= (NM_001308294.2); c.1284C>T (NM_001145795.1).
Identifiers: ClinVar variation 4410404 (VCV004410404.2).